The following is an entry in ClinVar:

ClinVar aggregate classification (germline): Conflicting classifications of pathogenicity. Review status: criteria provided, conflicting classifications (1 of 4 stars). 2 submissions from 2 submitters: Uncertain significance (1); Benign (1). Last evaluated 2025-10-26.

Conditions:
Oto-palato-digital syndrome, type II (OPD2). Also called: Otopalatodigital Syndrome, Type II; FACIOPALATOOSSEOUS SYNDROME; OPD II SYNDROME; Otopalatodigital Syndrome Type 2 (FLNA-OPD2). Identifiers: Orphanet 669, Orphanet 90652, MedGen C1844696, MONDO:0010571, OMIM 304120.
Frontometaphyseal dysplasia (FMD1). Identifiers: Orphanet 1826, MedGen C0265293, MONDO:0015942.
Heterotopia, periventricular, X-linked dominant (PVNH1). Also called: PERIVENTRICULAR NODULAR HETEROTOPIA 1; X-linked periventricular heterotopia; PERIVENTRICULAR NODULAR HETEROTOPIA 4; HETEROTOPIA, PERIVENTRICULAR, 1. Identifiers: Orphanet 2149, Orphanet 82004, MedGen C1848213, MONDO:0010233, OMIM 300049.
Melnick-Needles syndrome (MNS). Also called: MELNICK-NEEDLES OSTEODYSPLASTY; OSTEODYSPLASTY OF MELNICK AND NEEDLES; Melnick-Needles Syndrome (FLNA-MNS). Identifiers: Orphanet 2484, MedGen C0025237, MONDO:0010650, OMIM 309350.

Allele frequency attached by ClinVar (database versions not stated): gnomAD 0.00001; gnomAD exomes 0.00001; TOPMed 0.00002.
gnomAD v4.1: 3 of 1,208,851 alleles (0.00025%); highest among the groups gnomAD compares: African/African-American, 0.0052%; no homozygotes.

Submissions (2):

Labcorp Genetics (formerly Invitae), Labcorp
Classification: Benign for Oto-palato-digital syndrome, type II; Heterotopia, periventricular, X-linked dominant; Frontometaphyseal dysplasia; Melnick-Needles syndrome. Last evaluated: 2025-10-26. Review status: criteria provided, single submitter. Criteria: Invitae Variant Classification Sherloc (09022015). Collection method: clinical testing. Allele origin: germline.

GeneDx
Classification: Uncertain significance. Last evaluated: 2015-03-26. Review status: criteria provided, single submitter. Criteria: GeneDx Variant Classification (06012015). Collection method: clinical testing. Allele origin: germline. Affected: yes.
Comment: A variant of unknown significance has been identified in the FLNA gene. The H787Q variant has not been published as a mutation, nor has it been reported as a benign polymorphism to our knowledge. The H787Q variant was not observed in approximately 6200 individuals of European and African American ancestry in the NHLBI Exome Sequencing Project, indicating it is not a common benign variant in these populations. The H787Q variant is a semi-conservative amino acid substitution, which may impact secondary protein structure as these residues differ in some properties. This substitution occurs at a position that is conserved among mammals. However, in silico analysis is inconsistent in its predictions as to whether or not the variant is damaging to the protein structure/function. Furthermore, no missense mutations in nearby residues have been reported in association with PH, suggesting this region of the protein may be tolerant of change.Therefore, based on the currently available information, it is unclear whether this variant is a pathogenic mutation or a rare benign variant. This variant was found in TAADV2-1

NM_001110556.2(FLNA):c.2361C>G (p.His787Gln)

Gene: FLNA (filamin A; minus strand). Cytogenetic location: Xq28.
Variant type: single nucleotide variant.
Coding change: c.2361C>G on transcript NM_001110556.2 (MANE Select); coding-DNA position 2361, C replaced by G.
Protein change: p.His787Gln; replaces histidine 787 with glutamine.
Molecular consequence: missense variant.
Genome position (GRCh38, 1-based): chrX:154,362,704, G>C on the plus strand (C>G on the coding strand, the complement: FLNA is on the minus strand). VCF-style: chrX-154362704-G-C. GRCh37 (hg19) VCF-style: chrX-153591072-G-C.
Other names: p.H787Q:CAC>CAG; c.2361C>G, p.His787Gln (NM_001456.4); short protein forms H787Q.
Identifiers: ClinVar variation 213465 (VCV000213465.10), dbSNP rs863223620, ClinGen allele CA321022.